The following is an entry in ClinVar:

ClinVar aggregate classification (germline): Uncertain significance. Review status: criteria provided, multiple submitters, no conflicts (2 of 4 stars). 2 submissions from 2 submitters: Uncertain significance (2). Last evaluated 2024-04-12.

Conditions:
Hereditary cancer-predisposing syndrome. Also called: Tumor predisposition; Hereditary neoplastic syndrome; Neoplastic Syndromes, Hereditary; Hereditary Cancer Syndrome. Identifiers: Orphanet 140162, MedGen C0027672, MeSH D009386, MONDO:0015356.

Submissions (2):

Ambry Genetics
Classification: Uncertain significance for Hereditary cancer-predisposing syndrome. Last evaluated: 2024-04-12. Review status: criteria provided, single submitter. Criteria: Ambry Variant Classification Scheme 2023. Collection method: clinical testing. Allele origin: germline.
Comment: The p.H2094Y variant (also known as c.6280C>T), located in coding exon 45 of the POLE gene, results from a C to T substitution at nucleotide position 6280. The histidine at codon 2094 is replaced by tyrosine, an amino acid with similar properties. This amino acid position is conserved. In addition, this alteration is predicted to be tolerated by in silico analysis. Based on the available evidence, the clinical significance of this variant remains unclear.

Labcorp Genetics (formerly Invitae), Labcorp
Classification: Uncertain significance. Last evaluated: 2023-10-14. Review status: criteria provided, single submitter. Criteria: Invitae Variant Classification Sherloc (09022015). Collection method: clinical testing. Allele origin: germline.
Comment: This sequence change replaces histidine, which is basic and polar, with tyrosine, which is neutral and polar, at codon 2094 of the POLE protein (p.His2094Tyr). This variant is not present in population databases (gnomAD no frequency). This variant has not been reported in the literature in individuals affected with POLE-related conditions. ClinVar contains an entry for this variant (Variation ID: 2175940). Advanced modeling of protein sequence and biophysical properties (such as structural, functional, and spatial information, amino acid conservation, physicochemical variation, residue mobility, and thermodynamic stability) performed at Invitae indicates that this missense variant is not expected to disrupt POLE protein function. In summary, the available evidence is currently insufficient to determine the role of this variant in disease. Therefore, it has been classified as a Variant of Uncertain Significance.

NM_006231.4(POLE):c.6280C>T (p.His2094Tyr)

Gene: POLE (DNA polymerase epsilon, catalytic subunit; minus strand). Cytogenetic location: 12q24.33.
Variant type: single nucleotide variant.
Coding change: c.6280C>T on transcript NM_006231.4 (MANE Select); coding-DNA position 6280, C replaced by T.
Protein change: p.His2094Tyr; replaces histidine 2094 with tyrosine.
Molecular consequence: missense variant.
Genome position (GRCh38, 1-based): chr12:132,632,365, G>A on the plus strand (C>T on the coding strand, the complement: POLE is on the minus strand). VCF-style: chr12-132632365-G-A. GRCh37 (hg19) VCF-style: chr12-133208951-G-A.
Other names: c.6280C>T (NM_006231.2); short protein forms H2094Y.
Identifiers: ClinVar variation 2175940 (VCV002175940.5), dbSNP rs1593707742, ClinGen allele CA387369407.